The following is an entry in ClinVar:

NM_001322934.2(NFKB2):c.1241G>A (p.Arg414Lys)

Genes: NFKB2 (nuclear factor kappa B subunit 2; plus strand), LOC130004599 (ATAC-STARR-seq lymphoblastoid silent region 2756; plus strand). Cytogenetic location: 10q24.32.
Variant type: single nucleotide variant.
Coding change: c.1241G>A on transcript NM_001322934.2 (MANE Select); coding-DNA position 1241, G replaced by A.
Protein change: p.Arg414Lys; replaces arginine 414 with lysine.
Molecular consequence: missense variant.
Genome position (GRCh38, 1-based): chr10:102,399,411, G>A. VCF-style: chr10-102399411-G-A. GRCh37 (hg19) VCF-style: chr10-104159168-G-A.
Other names: c.1241G>A, p.Arg414Lys (NM_001077493.1, NM_001077494.3, NM_001261403.3 and 2 more transcripts); c.1115G>A, p.Arg372Lys (NM_001322935.1); short protein forms R372K, R414K.
Identifiers: ClinVar variation 1918460 (VCV001918460.8), dbSNP rs1191756779, ClinGen allele CA377899084.

ClinVar aggregate classification (germline): Uncertain significance. Review status: criteria provided, multiple submitters, no conflicts (2 of 4 stars). 3 submissions from 3 submitters: Uncertain significance (2). 1 of the submissions does not count toward it. Last evaluated 2026-04-07.

Conditions:
NFKB2-related disorder. Also called: NFKB2-related condition.
Immunodeficiency, common variable, 10. Also called: IMMUNODEFICIENCY, COMMON VARIABLE, WITH CENTRAL ADRENAL INSUFFICIENCY; DEFICIT IN ANTERIOR PITUITARY FUNCTION AND VARIABLE IMMUNODEFICIENCY. Identifiers: MedGen C3809991, MONDO:0014260, OMIM 615577.

Allele frequency attached by ClinVar (database versions not stated): gnomAD 0.00001; TOPMed 0.00002; 1000 Genomes Project 30x 0.00016.

Submissions (3):

Women's Health and Genetics/Laboratory Corporation of America, LabCorp
Classification: Uncertain significance. Last evaluated: 2026-04-07. Review status: criteria provided, single submitter. Criteria: LabCorp Variant Classification Summary - May 2015. Collection method: clinical testing. Allele origin: germline.

Labcorp Genetics (formerly Invitae), Labcorp
Classification: Uncertain significance for Immunodeficiency, common variable, 10. Last evaluated: 2023-08-28. Review status: criteria provided, single submitter. Criteria: Invitae Variant Classification Sherloc (09022015). Collection method: clinical testing. Allele origin: germline.
Comment: In summary, the available evidence is currently insufficient to determine the role of this variant in disease. Therefore, it has been classified as a Variant of Uncertain Significance. Algorithms developed to predict the effect of missense changes on protein structure and function output the following: SIFT: "Not Available"; PolyPhen-2: "Benign"; Align-GVGD: "Not Available". The lysine amino acid residue is found in multiple mammalian species, which suggests that this missense change does not adversely affect protein function. ClinVar contains an entry for this variant (Variation ID: 1918460). This variant has not been reported in the literature in individuals affected with NFKB2-related conditions. This variant is not present in population databases (gnomAD no frequency). This sequence change replaces arginine, which is basic and polar, with lysine, which is basic and polar, at codon 414 of the NFKB2 protein (p.Arg414Lys).

PreventionGenetics, part of Exact Sciences
Classification: Uncertain significance for NFKB2-related condition. Last evaluated: 2024-02-12. Review status: no assertion criteria provided. Collection method: clinical testing. Allele origin: germline. Not counted in ClinVar's aggregate classification.
Comment: The NFKB2 c.1241G>A variant is predicted to result in the amino acid substitution p.Arg414Lys. To our knowledge, this variant has not been reported in the literature or in a large population database, indicating this variant is rare. At this time, the clinical significance of this variant is uncertain due to the absence of conclusive functional and genetic evidence.